The following is an entry in ClinVar:

ClinVar aggregate classification (germline): Pathogenic. Review status: criteria provided, multiple submitters, no conflicts (2 of 4 stars). 2 submissions from 2 submitters: Pathogenic (2). Last evaluated 2024-10-04.

Conditions:
Inborn genetic diseases. Identifiers: MedGen C0950123, MeSH D030342.
Chromosome 2q32-q33 deletion syndrome (GLASS). Also called: Glass syndrome; 2q33.1 deletion syndrome. Identifiers: Orphanet 251019, MedGen C2676739, MONDO:0012864, OMIM 612313.

Submissions (2):

Dubai Health Genomic Medicine Center, Dubai Health
Classification: Pathogenic for Glass syndrome. Last evaluated: 2024-10-04. Review status: criteria provided, single submitter. Criteria: ACMG Guidelines, 2015. Collection method: research. Allele origin: germline. Affected: yes.
Comment: PVS1,PS2,PM2

Ambry Genetics
Classification: Pathogenic for Inborn genetic diseases. Last evaluated: 2016-11-09. Review status: criteria provided, single submitter. Criteria: Ambry exome assertion method (8-5-2015). Collection method: clinical testing. Allele origin: germline. Affected: yes. Observed: 1 variant allele.

NM_001172509.2(SATB2):c.808_809del (p.Gln270fs)

Gene: SATB2 (SATB homeobox 2; minus strand). Cytogenetic location: 2q33.1.
Variant type: Deletion.
Coding change: c.808_809del on transcript NM_001172509.2 (MANE Select); coding-DNA positions 808 to 809, 2 bases deleted (CA; older notation c.808_809delCA).
Protein change: p.Gln270fs; shifts the reading frame from glutamine 270.
Molecular consequence: frameshift variant.
Genome position (GRCh38, 1-based): chr2:199,349,065-199,349,066, TG deleted on the plus strand (CA on the coding strand, the reverse complement: SATB2 is on the minus strand); deleting any 2 consecutive bases within chr2:199,349,065-199,349,067 gives the same sequence; the c. name uses the placement nearest the transcript's 3' end. VCF-style (leftmost placement, unchanged base first): chr2-199349064-CTG-C. GRCh37 (hg19) VCF-style: chr2-200213787-CTG-C.
Other names: c.808_809del, p.Gln270fs (NM_001172517.1, NM_015265.4); short protein forms Q270fs.
Identifiers: ClinVar variation 521394 (VCV000521394.5), dbSNP rs1553551705, ClinGen allele CA658796137.